The following is an entry in ClinVar:

ClinVar aggregate classification (germline): Uncertain significance. Review status: criteria provided, multiple submitters, no conflicts (2 of 4 stars). 2 submissions from 2 submitters: Uncertain significance (2). Last evaluated 2019-08-15.

Conditions:
Emery-Dreifuss muscular dystrophy 4, autosomal dominant (EDMD4). Also called: EMERY-DREIFUSS MUSCULAR DYSTROPHY 4 WITH VARIABLE FEATURES. Identifiers: Orphanet 261, MedGen C2751807, MONDO:0013071, OMIM 612998.
Autosomal recessive ataxia, Beauce type. Also called: Spinocerebellar ataxia, autosomal recessive 8; ATAXIA, RECESSIVE, OF BEAUCE; SYNE1-Related Autosomal Recessive Cerebellar Ataxia; SYNE1 Deficiency. Identifiers: Orphanet 88644, MedGen C1853116, MONDO:0012549, OMIM 610743.

Allele frequency attached by ClinVar (database versions not stated): ExAC 0.00001; gnomAD 0.00001; gnomAD exomes 0.00001 and 0.00002; TOPMed 0.00002.
gnomAD v4.1: 6 of 1,614,050 alleles (0.00037%); highest among the groups gnomAD compares: Admixed American, 0.01%; no homozygotes.

Submissions (2):

Women's Health and Genetics/Laboratory Corporation of America, LabCorp
Classification: Uncertain significance. Last evaluated: 2019-08-15. Review status: criteria provided, single submitter. Criteria: LabCorp Variant Classification Summary - May 2015. Collection method: clinical testing. Allele origin: germline.
Comment: Variant summary: SYNE1 c.17119A>G (p.Ile5707Val) results in a conservative amino acid change in the encoded protein sequence. Three of five in-silico tools predict a benign effect of the variant on protein function. The variant allele was found at a frequency of 1.6e-05 in 251476 control chromosomes (gnomAD). The available data on variant occurrences in the general population are insufficient to allow any conclusion about variant significance. To our knowledge, no occurrence of c.17119A>G in individuals affected with Emery-Dreifuss muscular dystrophy 4, autosomal dominant and no experimental evidence demonstrating its impact on protein function have been reported. No clinical diagnostic laboratories have submitted clinical-significance assessments for this variant to ClinVar after 2014. Based on the evidence outlined above, the variant was classified as uncertain significance.

Labcorp Genetics (formerly Invitae), Labcorp
Classification: Uncertain significance for Emery-Dreifuss muscular dystrophy 4, autosomal dominant; Autosomal recessive ataxia, Beauce type. Last evaluated: 2019-01-12. Review status: criteria provided, single submitter. Criteria: Invitae Variant Classification Sherloc (09022015). Collection method: clinical testing. Allele origin: germline.
Comment: This variant is present in population databases (rs762422242, ExAC 0.009%). In summary, the available evidence is currently insufficient to determine the role of this variant in disease. Therefore, it has been classified as a Variant of Uncertain Significance. Algorithms developed to predict the effect of missense changes on protein structure and function (SIFT, PolyPhen-2, Align-GVGD) all suggest that this variant is likely to be disruptive, but these predictions have not been confirmed by published functional studies and their clinical significance is uncertain. This variant has not been reported in the literature in individuals with SYNE1-related disease. This sequence change replaces isoleucine with valine at codon 5707 of the SYNE1 protein (p.Ile5707Val). The isoleucine residue is highly conserved and there is a small physicochemical difference between isoleucine and valine.

NM_182961.4(SYNE1):c.17332A>G (p.Ile5778Val)

Gene: SYNE1 (spectrin repeat containing nuclear envelope protein 1; minus strand). Cytogenetic location: 6q25.2.
Variant type: single nucleotide variant.
Coding change: c.17332A>G on transcript NM_182961.4 (MANE Select); coding-DNA position 17332, A replaced by G.
Protein change: p.Ile5778Val; replaces isoleucine 5778 with valine.
Molecular consequence: missense variant.
Genome position (GRCh38, 1-based): chr6:152,308,503, T>C on the plus strand (A>G on the coding strand, the complement: SYNE1 is on the minus strand). VCF-style: chr6-152308503-T-C. GRCh37 (hg19) VCF-style: chr6-152629638-T-C.
Other names: c.17119A>G, p.Ile5707Val (NM_033071.5); short protein forms I5707V, I5778V.
Identifiers: ClinVar variation 656572 (VCV000656572.11), dbSNP rs762422242, ClinGen allele CA4055271.